The following is an entry in ClinVar:

ClinVar aggregate classification (germline): Uncertain significance (1 of 4 stars; one submission).

Allele frequency attached by ClinVar (database versions not stated): gnomAD 0.00003; TOPMed 0.00005.
gnomAD v4.1: 25 of 1,568,196 alleles (0.0016%); highest among the groups gnomAD compares: African/African-American, 0.0081%; no homozygotes.

Submission:

Labcorp Genetics (formerly Invitae), Labcorp
Classification: Uncertain significance. Last evaluated: 2026-01-12. Review status: criteria provided, single submitter. Criteria: Invitae Variant Classification Sherloc (09022015). Collection method: clinical testing. Allele origin: germline.
Comment: This sequence change affects codon 724 of the PDE2A mRNA. It is a 'silent' change, meaning that it does not change the encoded amino acid sequence of the PDE2A protein. The frequency data for this variant in the population databases is considered unreliable, as metrics indicate poor data quality at this position in the gnomAD database. This variant has not been reported in the literature in individuals affected with PDE2A-related conditions. ClinVar contains an entry for this variant (Variation ID: 2161756). Algorithms developed to predict the effect of sequence changes on RNA splicing suggest that this variant may disrupt the consensus splice site. In summary, the available evidence is currently insufficient to determine the role of this variant in disease. Therefore, it has been classified as a Variant of Uncertain Significance.

NM_002599.5(PDE2A):c.2172C>T (p.Ser724=)

Gene: PDE2A (phosphodiesterase 2A; minus strand). Cytogenetic location: 11q13.4.
Variant type: single nucleotide variant.
Coding change: c.2172C>T on transcript NM_002599.5 (MANE Select); coding-DNA position 2172, C replaced by T.
Protein change: p.Ser724=; no amino-acid change (serine 724 retained).
Molecular consequence: synonymous variant.
Genome position (GRCh38, 1-based): chr11:72,580,586, G>A on the plus strand (C>T on the coding strand, the complement: PDE2A is on the minus strand). VCF-style: chr11-72580586-G-A. GRCh37 (hg19) VCF-style: chr11-72291630-G-A.
Other names: c.2151C>T, p.Ser717= (NM_001143839.4); c.2145C>T, p.Ser715= (NM_001146209.3); c.2109C>T, p.Ser703= (NM_001243784.2).
Identifiers: ClinVar variation 2161756 (VCV002161756.4), dbSNP rs747032244, ClinGen allele CA224417550.